The following is an entry in ClinVar:

NM_019032.6(ADAMTSL4):c.237C>A (p.His79Gln)

Genes: ADAMTSL4 (ADAMTS like 4; plus strand), ADAMTSL4-AS2 (ADAMTSL4 antisense RNA 2; minus strand). Cytogenetic location: 1q21.2.
Variant type: single nucleotide variant.
Coding change: c.237C>A on transcript NM_019032.6 (MANE Select); coding-DNA position 237, C replaced by A.
Protein change: p.His79Gln; replaces histidine 79 with glutamine.
Molecular consequence: missense variant.
Genome position (GRCh38, 1-based): chr1:150,553,056, C>A. VCF-style: chr1-150553056-C-A. GRCh37 (hg19) VCF-style: chr1-150525532-C-A.
Other names: c.237C>A, p.His79Gln (NM_001288607.2, NM_001288608.2, NM_001378596.1 and 1 more transcripts); short protein forms H79Q.
Identifiers: ClinVar variation 1499068 (VCV001499068.4), dbSNP rs963323596, ClinGen allele CA30066216.

ClinVar aggregate classification (germline): Uncertain significance (1 of 4 stars; one submission).

Allele frequency attached by ClinVar (database versions not stated): gnomAD exomes 0.00001 and 0.00004; gnomAD 0.00003 and 0.00004.
gnomAD v4.1: 59 of 1,613,196 alleles (0.0037%); highest among the groups gnomAD compares: Non-Finnish European, 0.0048%; no homozygotes.

Submission:

Labcorp Genetics (formerly Invitae), Labcorp
Classification: Uncertain significance. Last evaluated: 2025-09-21. Review status: criteria provided, single submitter. Criteria: Invitae Variant Classification Sherloc (09022015). Collection method: clinical testing. Allele origin: germline.
Comment: This sequence change replaces histidine, which is basic and polar, with glutamine, which is neutral and polar, at codon 79 of the ADAMTSL4 protein (p.His79Gln). The frequency data for this variant in the population databases is considered unreliable, as metrics indicate poor data quality at this position in the gnomAD database. This variant has not been reported in the literature in individuals affected with ADAMTSL4-related conditions. ClinVar contains an entry for this variant (Variation ID: 1499068). Invitae Evidence Modeling of protein sequence and biophysical properties (such as structural, functional, and spatial information, amino acid conservation, physicochemical variation, residue mobility, and thermodynamic stability) indicates that this missense variant is not expected to disrupt ADAMTSL4 protein function with a negative predictive value of 80%. In summary, the available evidence is currently insufficient to determine the role of this variant in disease. Therefore, it has been classified as a Variant of Uncertain Significance.